The following is an entry in ClinVar:

NC_000007.14:g.156789662A>C

Genes: LMBR1 (limb development membrane protein 1; minus strand), SHH (sonic hedgehog signaling molecule; minus strand). Cytogenetic location: 7q36.3.
Variant type: single nucleotide variant.
Molecular consequence: intron variant (on NM_022458.4).
Genome position: GRCh38 VCF-style: chr7-156789662-A-C. GRCh37 (hg19) VCF-style: chr7-156582356-A-C.
Other names: c.360+6727T>G (NM_001363412.2); c.144+6727T>G (NM_001350954.2); c.423+6727T>G (NM_001363410.2, NM_022458.4, NM_001363409.2 and 1 more transcripts); c.-112+6727T>G (NM_001350958.2, NM_001350956.2, NM_001350955.2 and 1 more transcripts); c.54+6727T>G (NM_001350957.2, NM_001363411.2).
Identifiers: ClinVar variation 1426540 (VCV001426540.1), dbSNP rs1828847366, ClinGen allele CA1755265216.

ClinVar aggregate classification (germline): Uncertain significance (1 of 4 stars; one submission).

Conditions:
Holoprosencephaly 3 (HPE3). Identifiers: Orphanet 2162, MedGen C1840529, MONDO:0007733, OMIM 142945.

Allele frequency attached by ClinVar (database versions not stated): TOPMed 0.00001.

Submission:

Labcorp Genetics (formerly Invitae), Labcorp
Classification: Uncertain significance for Holoprosencephaly 3. Last evaluated: 2021-11-18. Review status: criteria provided, single submitter. Criteria: Invitae Variant Classification Sherloc (09022015). Collection method: clinical testing. Allele origin: germline.
Comment: This variant occurs in a non-coding region of the SHH gene. It does not change the encoded amino acid sequence of the SHH protein. This variant is not present in population databases (gnomAD no frequency). This variant has not been reported in the literature in individuals affected with SHH-related conditions. Experimental studies and prediction algorithms are not available or were not evaluated, and the functional significance of this variant is currently unknown. In summary, the available evidence is currently insufficient to determine the role of this variant in disease. Therefore, it has been classified as a Variant of Uncertain Significance.